The following is an entry in ClinVar:

ClinVar aggregate classification (germline): Likely benign. Review status: criteria provided, single submitter (1 of 4 stars). 2 submissions from 2 submitters: Likely benign (1). 1 of the submissions does not count toward it. Last evaluated 2024-10-24.

Conditions:
SPAG17-related disorder. Also called: SPAG17-related condition.

Allele frequency attached by ClinVar (database versions not stated): 1000 Genomes Project 30x 0.00109; 1000 Genomes Project 0.00120; ESP Exome Variant Server 0.00231; TOPMed 0.00263.
gnomAD v4.1: 690 of 1,614,082 alleles (0.043%); highest among the groups gnomAD compares: African/African-American, 0.78%; no homozygotes.

Submissions (2):

Blueprint Genetics
Classification: Likely benign. Last evaluated: 2024-10-24. Review status: criteria provided, single submitter. Criteria: ACMG Guidelines, 2015. Collection method: clinical testing. Allele origin: germline.

PreventionGenetics, part of Exact Sciences
Classification: Benign for SPAG17-related condition. Last evaluated: 2019-11-27. Review status: no assertion criteria provided. Collection method: clinical testing. Allele origin: germline. Not counted in ClinVar's aggregate classification.
Comment: This variant is classified as benign based on ACMG/AMP sequence variant interpretation guidelines (Richards et al. 2015 PMID: 25741868, with internal and published modifications).

NM_206996.4(SPAG17):c.1498-4A>G

Gene: SPAG17 (sperm associated antigen 17; minus strand). Cytogenetic location: 1p12.
Variant type: single nucleotide variant.
Coding change: c.1498-4A>G on transcript NM_206996.4 (MANE Select); 4 bases into the intron before coding-DNA position 1498, A replaced by G.
Molecular consequence: intron variant.
Genome position (GRCh38, 1-based): chr1:118,086,788, T>C on the plus strand (A>G on the coding strand, the complement: SPAG17 is on the minus strand). VCF-style: chr1-118086788-T-C. GRCh37 (hg19) VCF-style: chr1-118629411-T-C.
Identifiers: ClinVar variation 3048514 (VCV003048514.3), dbSNP rs371635834, ClinGen allele CA1034276.